The following is an entry in ClinVar:

NM_001379500.1(COL18A1):c.3866G>C (p.Ser1289Thr)

Genes: COL18A1 (collagen type XVIII alpha 1 chain; plus strand), SLC19A1 (solute carrier family 19 member 1; minus strand). Cytogenetic location: 21q22.3.
Variant type: single nucleotide variant.
Coding change: c.3866G>C on transcript NM_001379500.1 (MANE Select); coding-DNA position 3866, G replaced by C.
Protein change: p.Ser1289Thr; replaces serine 1289 with threonine.
Molecular consequence: missense variant.
Genome position (GRCh38, 1-based): chr21:45,512,244, G>C. VCF-style: chr21-45512244-G-C. GRCh37 (hg19) VCF-style: chr21-46932158-G-C.
Other names: c.4397G>C, p.Ser1466Thr (NM_030582.4); c.5102G>C, p.Ser1701Thr (NM_130444.3); short protein forms S1701T, S1289T, S1466T.
Identifiers: ClinVar variation 2029355 (VCV002029355.4), dbSNP rs1464893377, ClinGen allele CA410502212.

ClinVar aggregate classification (germline): Uncertain significance (1 of 4 stars; one submission).

Allele frequency attached by ClinVar (database versions not stated): TOPMed below 0.00001.
gnomAD v4.1: 2 of 1,612,594 alleles (0.00012%); no homozygotes.

Submission:

Labcorp Genetics (formerly Invitae), Labcorp
Classification: Uncertain significance. Last evaluated: 2025-08-11. Review status: criteria provided, single submitter. Criteria: Invitae Variant Classification Sherloc (09022015). Collection method: clinical testing. Allele origin: germline.
Comment: This sequence change replaces serine, which is neutral and polar, with threonine, which is neutral and polar, at codon 1286 of the COL18A1 protein (p.Ser1286Thr). This variant is present in population databases (no rsID available, gnomAD 0.002%). This variant has not been reported in the literature in individuals affected with COL18A1-related conditions. ClinVar contains an entry for this variant (Variation ID: 2029355). Experimental studies and prediction algorithms are not available or were not evaluated, and the functional significance of this variant is currently unknown. In summary, the available evidence is currently insufficient to determine the role of this variant in disease. Therefore, it has been classified as a Variant of Uncertain Significance.